The following is an entry in ClinVar:

NM_206933.4(USH2A):c.6364G>T (p.Ala2122Ser)

Gene: USH2A (usherin; minus strand). Cytogenetic location: 1q41.
Variant type: single nucleotide variant.
Coding change: c.6364G>T on transcript NM_206933.4 (MANE Select); coding-DNA position 6364, G replaced by T.
Protein change: p.Ala2122Ser; replaces alanine 2122 with serine.
Molecular consequence: missense variant.
Genome position (GRCh38, 1-based): chr1:216,000,524, C>A on the plus strand (G>T on the coding strand, the complement: USH2A is on the minus strand). VCF-style: chr1-216000524-C-A. GRCh37 (hg19) VCF-style: chr1-216173866-C-A.
Other names: short protein forms A2122S.
Identifiers: ClinVar variation 228218 (VCV000228218.32), dbSNP rs142786231, ClinGen allele CA1395161.

ClinVar aggregate classification (germline): Conflicting classifications of pathogenicity. Review status: criteria provided, conflicting classifications (1 of 4 stars). 9 submissions from 9 submitters: Uncertain significance (3); Likely benign (4). 2 of the submissions do not count toward it. Last evaluated 2026-01-16.

Conditions:
USH2A-related disorder. Also called: USH2A-related condition; USH2A-related disorders. Identifiers: MedGen CN239332.
Inborn genetic diseases. Identifiers: MedGen C0950123, MeSH D030342.
Usher syndrome type 2A. Also called: RETINAL DISEASE IN USHER SYNDROME TYPE IIA, MODIFIER OF; USHER SYNDROME, TYPE IIA. Identifiers: Orphanet 231178, Orphanet 886, MedGen C1848634, MONDO:0010169, OMIM 276901.

Allele frequency attached by ClinVar (database versions not stated): gnomAD exomes 0.00028; ExAC 0.00036; 1000 Genomes Project 0.00100; 1000 Genomes Project 30x 0.00109; gnomAD 0.00117 and 0.00120; TOPMed 0.00124; ESP Exome Variant Server 0.00154.
gnomAD v4.1: 294 of 1,613,630 alleles (0.018%); highest among the groups gnomAD compares: African/African-American, 0.37%; 2 homozygotes.

Submissions (9):

Labcorp Genetics (formerly Invitae), Labcorp
Classification: Likely benign. Last evaluated: 2026-01-16. Review status: criteria provided, single submitter. Criteria: Invitae Variant Classification Sherloc (09022015). Collection method: clinical testing. Allele origin: germline.

Ambry Genetics
Classification: Uncertain significance for Inborn genetic diseases. Last evaluated: 2024-08-09. Review status: criteria provided, single submitter. Criteria: Ambry Variant Classification Scheme 2023. Collection method: clinical testing. Allele origin: germline.

Blueprint Genetics
Classification: Likely benign. Last evaluated: 2024-04-09. Review status: criteria provided, single submitter. Criteria: ACMG Guidelines, 2015. Collection method: clinical testing. Allele origin: germline.

ARUP Laboratories, Molecular Genetics and Genomics, ARUP Laboratories
Classification: Likely benign. Last evaluated: 2022-07-15. Review status: criteria provided, single submitter. Criteria: ARUP Molecular Germline Variant Investigation Process 2021. Collection method: clinical testing. Allele origin: germline.

GeneDx
Classification: Uncertain significance. Last evaluated: 2021-08-27. Review status: criteria provided, single submitter. Criteria: GeneDx Variant Classification Process June 2021. Collection method: clinical testing. Allele origin: germline. Affected: yes.
Comment: In silico analysis, which includes protein predictors and evolutionary conservation, supports that this variant does not alter protein structure/function; Has not been previously published as pathogenic or benign to our knowledge

Laboratory for Molecular Medicine, Mass General Brigham Personalized Medicine
Classification: Likely benign. Last evaluated: 2017-05-16. Review status: criteria provided, single submitter. Criteria: LMM Criteria. Collection method: clinical testing. Allele origin: germline. Observed: 3 variant alleles.
Comment: p.Ala2122Ser in exon 33 of USH2A: This variant is not expected to have clinical significance because it has been identified in 0.4% (92/24028) of African chromo somes including 1 homozygote by the Genome Aggregation Database (gnomAD; dbSNP rs142786231).

Eurofins Ntd Llc (ga)
Classification: Uncertain significance. Last evaluated: 2017-04-12. Review status: criteria provided, single submitter. Criteria: EGL Classification Definitions 2015. Collection method: clinical testing. Allele origin: germline. Observed: 3 variant alleles, 3 heterozygotes.

PreventionGenetics, part of Exact Sciences
Classification: Likely benign for USH2A-related condition. Last evaluated: 2024-02-20. Review status: no assertion criteria provided. Collection method: clinical testing. Allele origin: germline. Not counted in ClinVar's aggregate classification.
Comment: This variant is classified as likely benign based on ACMG/AMP sequence variant interpretation guidelines (Richards et al. 2015 PMID: 25741868, with internal and published modifications).

Natera, Inc.
Classification: Uncertain significance for Usher syndrome type 2A. Last evaluated: 2020-01-17. Review status: no assertion criteria provided. Collection method: clinical testing. Allele origin: germline. Not counted in ClinVar's aggregate classification.